The following is an entry in ClinVar:

NM_004055.5(CAPN5):c.137G>A (p.Gly46Glu)

Gene: CAPN5 (calpain 5; plus strand). Cytogenetic location: 11q13.5.
Variant type: single nucleotide variant.
Coding change: c.137G>A on transcript NM_004055.5 (MANE Select); coding-DNA position 137, G replaced by A.
Protein change: p.Gly46Glu; replaces glycine 46 with glutamic acid.
Molecular consequence: missense variant.
Genome position (GRCh38, 1-based): chr11:77,085,023, G>A. VCF-style: chr11-77085023-G-A. GRCh37 (hg19) VCF-style: chr11-76796069-G-A.
Other names: short protein forms G46E.
Identifiers: ClinVar variation 1010811 (VCV001010811.9), dbSNP rs1950070183, ClinGen allele CA381927377.

ClinVar aggregate classification (germline): Uncertain significance (1 of 4 stars; one submission).

Allele frequency attached by ClinVar (database versions not stated): gnomAD exomes below 0.00001.
gnomAD v4.1: 5 of 1,613,522 alleles (0.00031%); highest among the groups gnomAD compares: Non-Finnish European, 0.00042%; no homozygotes.

Submission:

Labcorp Genetics (formerly Invitae), Labcorp
Classification: Uncertain significance. Last evaluated: 2025-04-16. Review status: criteria provided, single submitter. Criteria: Invitae Variant Classification Sherloc (09022015). Collection method: clinical testing. Allele origin: germline.
Comment: This sequence change replaces glycine, which is neutral and non-polar, with glutamic acid, which is acidic and polar, at codon 46 of the CAPN5 protein (p.Gly46Glu). This variant is not present in population databases (gnomAD no frequency). This variant has not been reported in the literature in individuals affected with CAPN5-related conditions. ClinVar contains an entry for this variant (Variation ID: 1010811). Invitae Evidence Modeling of protein sequence and biophysical properties (such as structural, functional, and spatial information, amino acid conservation, physicochemical variation, residue mobility, and thermodynamic stability) indicates that this missense variant is not expected to disrupt CAPN5 protein function with a negative predictive value of 80%. In summary, the available evidence is currently insufficient to determine the role of this variant in disease. Therefore, it has been classified as a Variant of Uncertain Significance.